The following is an entry in ClinVar:

NM_001365999.1(SZT2):c.5078C>T (p.Thr1693Ile)

Gene: SZT2 (SZT2 subunit of KICSTOR complex; plus strand). Cytogenetic location: 1p34.2.
Variant type: single nucleotide variant.
Coding change: c.5078C>T on transcript NM_001365999.1 (MANE Select); coding-DNA position 5078, C replaced by T.
Protein change: p.Thr1693Ile; replaces threonine 1693 with isoleucine.
Molecular consequence: missense variant.
Genome position (GRCh38, 1-based): chr1:43,431,513, C>T. VCF-style: chr1-43431513-C-T. GRCh37 (hg19) VCF-style: chr1-43897184-C-T.
Other names: c.4907C>T (NM_015284.3); c.4907C>T, p.Thr1636Ile (NM_015284.4); short protein forms T1636I, T1693I.
Identifiers: ClinVar variation 1054158 (VCV001054158.8), dbSNP rs774045494, ClinGen allele CA809464.

ClinVar aggregate classification (germline): Uncertain significance. Review status: criteria provided, multiple submitters, no conflicts (2 of 4 stars). 2 submissions from 2 submitters: Uncertain significance (2). Last evaluated 2025-08-14.

Conditions:
Inborn genetic diseases. Identifiers: MedGen C0950123, MeSH D030342.

Allele frequency attached by ClinVar (database versions not stated): gnomAD 0.00001; gnomAD exomes 0.00001 and 0.00002; ExAC 0.00002; TOPMed 0.00002.
gnomAD v4.1: 28 of 1,614,056 alleles (0.0017%); highest among the groups gnomAD compares: East Asian, 0.0022%; no homozygotes.

Submissions (2):

Ambry Genetics
Classification: Uncertain significance for Inborn genetic diseases. Last evaluated: 2025-08-14. Review status: criteria provided, single submitter. Criteria: Ambry Variant Classification Scheme 2023. Collection method: clinical testing. Allele origin: germline.

Labcorp Genetics (formerly Invitae), Labcorp
Classification: Uncertain significance. Last evaluated: 2023-07-07. Review status: criteria provided, single submitter. Criteria: Invitae Variant Classification Sherloc (09022015). Collection method: clinical testing. Allele origin: germline.
Comment: Advanced modeling of protein sequence and biophysical properties (such as structural, functional, and spatial information, amino acid conservation, physicochemical variation, residue mobility, and thermodynamic stability) performed at Invitae indicates that this missense variant is not expected to disrupt SZT2 protein function. In summary, the available evidence is currently insufficient to determine the role of this variant in disease. Therefore, it has been classified as a Variant of Uncertain Significance. ClinVar contains an entry for this variant (Variation ID: 1054158). This variant has not been reported in the literature in individuals affected with SZT2-related conditions. This variant is present in population databases (rs774045494, gnomAD 0.007%). This sequence change replaces threonine, which is neutral and polar, with isoleucine, which is neutral and non-polar, at codon 1636 of the SZT2 protein (p.Thr1636Ile).